The following is an entry in ClinVar:

ClinVar aggregate classification (germline): Uncertain significance (1 of 4 stars; one submission).

Conditions:
Hereditary cancer-predisposing syndrome. Also called: Hereditary neoplastic syndrome; Tumor predisposition; Hereditary Cancer Syndrome; Neoplastic Syndromes, Hereditary. Identifiers: Orphanet 140162, MedGen C0027672, MeSH D009386, MONDO:0015356.

Submission:

Ambry Genetics
Classification: Uncertain significance for Hereditary cancer-predisposing syndrome. Last evaluated: 2023-07-29. Review status: criteria provided, single submitter. Criteria: Ambry Variant Classification Scheme 2023. Collection method: clinical testing. Allele origin: germline.
Comment: The p.L312V variant (also known as c.934C>G), located in coding exon 9 of the EPCAM gene, results from a C to G substitution at nucleotide position 934. The leucine at codon 312 is replaced by valine, an amino acid with highly similar properties. This amino acid position is conserved. In addition, this alteration is predicted to be tolerated by in silico analysis. Since supporting evidence is limited at this time, the clinical significance of this alteration remains unclear.

NM_002354.3(EPCAM):c.934C>G (p.Leu312Val)

Gene: EPCAM (epithelial cell adhesion molecule; plus strand). Cytogenetic location: 2p21.
Variant type: single nucleotide variant.
Coding change: c.934C>G on transcript NM_002354.3 (MANE Select); coding-DNA position 934, C replaced by G.
Protein change: p.Leu312Val; replaces leucine 312 with valine.
Molecular consequence: missense variant.
Genome position (GRCh38, 1-based): chr2:47,386,602, C>G. VCF-style: chr2-47386602-C-G. GRCh37 (hg19) VCF-style: chr2-47613741-C-G.
Other names: short protein forms L312V.
Identifiers: ClinVar variation 2586736 (VCV002586736.2), dbSNP rs2103770887, ClinGen allele CA346725986.